The following is an entry in ClinVar:

NM_001371596.2(MFSD8):c.305C>T (p.Pro102Leu)

Gene: MFSD8 (major facilitator superfamily domain containing 8; minus strand). Cytogenetic location: 4q28.2.
Variant type: single nucleotide variant.
Coding change: c.305C>T on transcript NM_001371596.2 (MANE Select); coding-DNA position 305, C replaced by T.
Protein change: p.Pro102Leu; replaces proline 102 with leucine.
Molecular consequence: missense variant.
Genome position (GRCh38, 1-based): chr4:127,943,886, G>A on the plus strand (C>T on the coding strand, the complement: MFSD8 is on the minus strand). VCF-style: chr4-127943886-G-A. GRCh37 (hg19) VCF-style: chr4-128865041-G-A.
Other names: c.305C>T, p.Pro102Leu (NM_001363520.3, NM_001363521.3, NM_001371591.2 and 5 more transcripts); c.170C>T, p.Pro57Leu (NM_001371590.2, NM_001371595.1, NM_001410765.1); short protein forms P57L, P102L.
Identifiers: ClinVar variation 966644 (VCV000966644.7), dbSNP rs1458806628, ClinGen allele CA358176920.

ClinVar aggregate classification (germline): Uncertain significance (1 of 4 stars; one submission).

Conditions:
Neuronal ceroid lipofuscinosis 7 (CLN7). Also called: MFSD8-Related Neuronal Ceroid-Lipofuscinosis. Identifiers: Orphanet 168491, Orphanet 228366, MedGen C1838571, MONDO:0012588, OMIM 610951.

Allele frequency attached by ClinVar (database versions not stated): TOPMed below 0.00001; gnomAD 0.00001; gnomAD exomes 0.00001.
gnomAD v4.1: 4 of 1,613,926 alleles (0.00025%); highest among the groups gnomAD compares: African/African-American, 0.0013%; no homozygotes.

Submission:

Labcorp Genetics (formerly Invitae), Labcorp
Classification: Uncertain significance for Neuronal ceroid lipofuscinosis 7. Last evaluated: 2022-06-05. Review status: criteria provided, single submitter. Criteria: Invitae Variant Classification Sherloc (09022015). Collection method: clinical testing. Allele origin: germline.
Comment: In summary, the available evidence is currently insufficient to determine the role of this variant in disease. Therefore, it has been classified as a Variant of Uncertain Significance. Algorithms developed to predict the effect of missense changes on protein structure and function are either unavailable or do not agree on the potential impact of this missense change (SIFT: "Tolerated"; PolyPhen-2: "Probably Damaging"; Align-GVGD: "Class C0"). ClinVar contains an entry for this variant (Variation ID: 966644). This sequence change replaces proline, which is neutral and non-polar, with leucine, which is neutral and non-polar, at codon 102 of the MFSD8 protein (p.Pro102Leu). This variant is not present in population databases (gnomAD no frequency). This variant has not been reported in the literature in individuals affected with MFSD8-related conditions.